The following is an entry in ClinVar:

NM_080860.4(RSPH1):c.212A>G (p.Tyr71Cys)

Genes: RSPH1 (radial spoke head component 1; minus strand), LOC126653391 (CDK7 strongly-dependent group 2 enhancer GRCh37_chr21:43912470-43913669; plus strand). Cytogenetic location: 21q22.3.
Variant type: single nucleotide variant.
Coding change: c.212A>G on transcript NM_080860.4 (MANE Select); coding-DNA position 212, A replaced by G.
Protein change: p.Tyr71Cys; replaces tyrosine 71 with cysteine.
Molecular consequence: missense variant.
Genome position (GRCh38, 1-based): chr21:42,492,820, T>C on the plus strand (A>G on the coding strand, the complement: RSPH1 is on the minus strand). VCF-style: chr21-42492820-T-C. GRCh37 (hg19) VCF-style: chr21-43912930-T-C.
Other names: c.98A>G, p.Tyr33Cys (NM_001286506.2); short protein forms Y33C, Y71C.
Identifiers: ClinVar variation 2191517 (VCV002191517.4), dbSNP rs1047978632, ClinGen allele CA410367240.

ClinVar aggregate classification (germline): Uncertain significance (1 of 4 stars; one submission).

Conditions:
Primary ciliary dyskinesia. Also called: Ciliary dyskinesia. Identifiers: Orphanet 244, MedGen C0008780, MONDO:0016575, HP:0012265.

Allele frequency attached by ClinVar (database versions not stated): gnomAD exomes below 0.00001.
gnomAD v4.1: 4 of 1,613,434 alleles (0.00025%); highest among the groups gnomAD compares: Non-Finnish European, 0.00017%; no homozygotes.

Submission:

Labcorp Genetics (formerly Invitae), Labcorp
Classification: Uncertain significance for Primary ciliary dyskinesia. Last evaluated: 2022-07-14. Review status: criteria provided, single submitter. Criteria: Invitae Variant Classification Sherloc (09022015). Collection method: clinical testing. Allele origin: germline.
Comment: This sequence change replaces tyrosine, which is neutral and polar, with cysteine, which is neutral and slightly polar, at codon 71 of the RSPH1 protein (p.Tyr71Cys). This variant is present in population databases (no rsID available, gnomAD 0.0009%). This variant has not been reported in the literature in individuals affected with RSPH1-related conditions. Algorithms developed to predict the effect of missense changes on protein structure and function (SIFT, PolyPhen-2, Align-GVGD) all suggest that this variant is likely to be disruptive. In summary, the available evidence is currently insufficient to determine the role of this variant in disease. Therefore, it has been classified as a Variant of Uncertain Significance.